The following is an entry in ClinVar:

NM_002035.4(KDSR):c.486G>A (p.Glu162=)

Gene: KDSR (3-ketodihydrosphingosine reductase; minus strand). Cytogenetic location: 18q21.33.
Variant type: single nucleotide variant.
Coding change: c.486G>A on transcript NM_002035.4 (MANE Select); coding-DNA position 486, G replaced by A.
Protein change: p.Glu162=; no amino-acid change (glutamic acid 162 retained).
Molecular consequence: synonymous variant.
Genome position (GRCh38, 1-based): chr18:63,351,011, C>T on the plus strand (G>A on the coding strand, the complement: KDSR is on the minus strand). VCF-style: chr18-63351011-C-T. GRCh37 (hg19) VCF-style: chr18-61018244-C-T.
Other names: c.486G>A (NM_002035.2).
Identifiers: ClinVar variation 3712839 (VCV003712839.3).

ClinVar aggregate classification (germline): Likely benign. Review status: criteria provided, multiple submitters, no conflicts (2 of 4 stars). 2 submissions from 2 submitters: Likely benign (2). Last evaluated 2026-01-26.

Conditions:
KDSR-related condition.

gnomAD v4.1: 7 of 1,614,038 alleles (0.00043%); highest among the groups gnomAD compares: Non-Finnish European, 0.00059%; no homozygotes.

Submissions (2):

Labcorp Genetics (formerly Invitae), Labcorp
Classification: Likely benign. Last evaluated: 2026-01-26. Review status: criteria provided, single submitter. Criteria: Invitae Variant Classification Sherloc (09022015). Collection method: clinical testing. Allele origin: germline.

PreventionGenetics, part of Exact Sciences
Classification: Likely benign for KDSR-related condition. Last evaluated: 2024-12-24. Review status: criteria provided, single submitter. Criteria: ACMG Guidelines, 2015. Collection method: clinical testing. Allele origin: germline.
Comment: This variant is classified as likely benign based on ACMG/AMP sequence variant interpretation guidelines (Richards et al. 2015 PMID: 25741868, with internal and published modifications).